The following is an entry in ClinVar:

NM_020774.4(MIB1):c.756A>C (p.Val252=)

Gene: MIB1 (MIB E3 ubiquitin protein ligase 1; plus strand). Cytogenetic location: 18q11.2.
Variant type: single nucleotide variant.
Coding change: c.756A>C on transcript NM_020774.4 (MANE Select); coding-DNA position 756, A replaced by C.
Protein change: p.Val252=; no amino-acid change (valine 252 retained).
Molecular consequence: synonymous variant.
Genome position (GRCh38, 1-based): chr18:21,779,533, A>C. VCF-style: chr18-21779533-A-C. GRCh37 (hg19) VCF-style: chr18-19359494-A-C.
Identifiers: ClinVar variation 506511 (VCV000506511.6), dbSNP rs192282083, ClinGen allele CA8908114.

ClinVar aggregate classification (germline): Likely benign. Review status: criteria provided, multiple submitters, no conflicts (2 of 4 stars). 3 submissions from 3 submitters: Likely benign (2). 1 of the submissions does not count toward it. Last evaluated 2020-10-27.

Conditions:
Inborn genetic diseases. Identifiers: MedGen C0950123, MeSH D030342.
MIB1-related disorder. Also called: MIB1-related condition.

Allele frequency attached by ClinVar (database versions not stated): gnomAD 0.00002 and 0.00004; TOPMed 0.00002; ExAC 0.00007; gnomAD exomes 0.00007 and 0.00014; 1000 Genomes Project 30x 0.00016; 1000 Genomes Project 0.00020.
gnomAD v4.1: 210 of 1,614,160 alleles (0.013%); highest among the groups gnomAD compares: East Asian, 0.41%; no homozygotes.

Submissions (3):

GeneDx
Classification: Likely benign. Last evaluated: 2020-10-27. Review status: criteria provided, single submitter. Criteria: GeneDx Variant Classification Process June 2021. Collection method: clinical testing. Allele origin: germline. Affected: yes.

Ambry Genetics
Classification: Likely benign for Inborn genetic diseases. Last evaluated: 2019-11-26. Review status: criteria provided, single submitter. Criteria: Ambry Variant Classification Scheme 2023. Collection method: clinical testing. Allele origin: germline.

PreventionGenetics, part of Exact Sciences
Classification: Likely benign for MIB1-related condition. Last evaluated: 2019-11-15. Review status: no assertion criteria provided. Collection method: clinical testing. Allele origin: germline. Not counted in ClinVar's aggregate classification.
Comment: This variant is classified as likely benign based on ACMG/AMP sequence variant interpretation guidelines (Richards et al. 2015 PMID: 25741868, with internal and published modifications).